The following is an entry in ClinVar:

NM_014795.4(ZEB2):c.887A>G (p.His296Arg)

Gene: ZEB2 (zinc finger E-box binding homeobox 2; minus strand). Cytogenetic location: 2q22.3.
Variant type: single nucleotide variant.
Coding change: c.887A>G on transcript NM_014795.4 (MANE Select); coding-DNA position 887, A replaced by G.
Protein change: p.His296Arg; replaces histidine 296 with arginine.
Molecular consequence: missense variant.
Genome position (GRCh38, 1-based): chr2:144,401,228, T>C on the plus strand (A>G on the coding strand, the complement: ZEB2 is on the minus strand). VCF-style: chr2-144401228-T-C. GRCh37 (hg19) VCF-style: chr2-145158795-T-C.
Other names: c.815A>G, p.His272Arg (NM_001171653.2); short protein forms H272R, H296R.
Identifiers: ClinVar variation 4746430 (VCV004746430.1).

ClinVar aggregate classification (germline): Uncertain significance (1 of 4 stars; one submission).

Conditions:
Mowat-Wilson syndrome (MOWS). Also called: Classic Mowat-Wilson Syndrome. Identifiers: Orphanet 2152, MedGen C1856113, MONDO:0009341, OMIM 235730.

Submission:

Labcorp Genetics (formerly Invitae), Labcorp
Classification: Uncertain significance for Mowat-Wilson syndrome. Last evaluated: 2025-11-09. Review status: criteria provided, single submitter. Criteria: Invitae Variant Classification Sherloc (09022015). Collection method: clinical testing. Allele origin: germline.
Comment: This sequence change replaces histidine, which is basic and polar, with arginine, which is basic and polar, at codon 296 of the ZEB2 protein (p.His296Arg). This variant is not present in population databases (gnomAD no frequency). This variant has not been reported in the literature in individuals affected with ZEB2-related conditions. Invitae Evidence Modeling of protein sequence and biophysical properties (such as structural, functional, and spatial information, amino acid conservation, physicochemical variation, residue mobility, and thermodynamic stability) indicates that this missense variant is expected to disrupt ZEB2 protein function with a positive predictive value of 80%. In summary, the available evidence is currently insufficient to determine the role of this variant in disease. Therefore, it has been classified as a Variant of Uncertain Significance.